The following is an entry in ClinVar:

NM_000350.3(ABCA4):c.717G>A (p.Trp239Ter)

Gene: ABCA4 (ATP binding cassette subfamily A member 4; minus strand). Cytogenetic location: 1p22.1.
Variant type: single nucleotide variant.
Coding change: c.717G>A on transcript NM_000350.3 (MANE Select); coding-DNA position 717, G replaced by A.
Protein change: p.Trp239Ter; replaces tryptophan 239 with a stop codon.
Molecular consequence: nonsense.
Genome position (GRCh38, 1-based): chr1:94,098,845, C>T on the plus strand (G>A on the coding strand, the complement: ABCA4 is on the minus strand). VCF-style: chr1-94098845-C-T. GRCh37 (hg19) VCF-style: chr1-94564401-C-T.
Other names: c.717G>A, p.Trp239Ter (NM_001425324.1); short protein forms W239*.
Identifiers: ClinVar variation 4527036 (VCV004527036.2).

ClinVar aggregate classification (germline): Pathogenic/Likely pathogenic. Review status: criteria provided, multiple submitters, no conflicts (2 of 4 stars). 2 submissions from 2 submitters: Pathogenic (1); Likely pathogenic (1). Last evaluated 2025-04-19.

Conditions:
ABCA4-related disorder. Also called: ABCA4-related condition; ABCA4-related disorders. Identifiers: MedGen CN239167.

Submissions (2):

GeneDx
Classification: Likely pathogenic. Last evaluated: 2025-04-19. Review status: criteria provided, single submitter. Criteria: GeneDx Variant Classification Process June 2021. Collection method: clinical testing. Allele origin: germline. Affected: yes.
Comment: Reported in the published literature in association with inherited retinal disease; however, detailed clinical information was not provided (PMID: 36460718, 38927702); Nonsense variant predicted to result in protein truncation or nonsense mediated decay in a gene for which loss of function is a known mechanism of disease; Not observed at significant frequency in large population cohorts (gnomAD); This variant is associated with the following publications: (PMID: 36460718, 38927702)

Blueprint Genetics
Classification: Pathogenic for ABCA4-related disorders. Last evaluated: 2021-09-17. Review status: criteria provided, single submitter. Criteria: ACMG Guidelines, 2015. Collection method: clinical testing. Allele origin: germline. Affected: yes. Observed: 3 variant alleles.